The following is an entry in ClinVar:

ClinVar aggregate classification (germline): Uncertain significance (1 of 4 stars; one submission).

Submission:

Ambry Genetics
Classification: Uncertain significance. Last evaluated: 2020-09-11. Review status: criteria provided, single submitter. Criteria: Ambry Variant Classification Scheme 2023. Collection method: clinical testing. Allele origin: germline.
Comment: The p.F245L variant (also known as c.735C>G), located in coding exon 6 of the RECQL gene, results from a C to G substitution at nucleotide position 735. The phenylalanine at codon 245 is replaced by leucine, an amino acid with highly similar properties. This amino acid position is highly conserved in available vertebrate species. In addition, the in silico prediction for this alteration is inconclusive. Since supporting evidence is limited at this time, the clinical significance of this alteration remains unclear.

NM_002907.4(RECQL):c.735C>G (p.Phe245Leu)

Gene: RECQL (RecQ like helicase; minus strand). Cytogenetic location: 12p12.1.
Variant type: single nucleotide variant.
Coding change: c.735C>G on transcript NM_002907.4 (MANE Select); coding-DNA position 735, C replaced by G.
Protein change: p.Phe245Leu; replaces phenylalanine 245 with leucine.
Molecular consequence: missense variant.
Genome position (GRCh38, 1-based): chr12:21,477,935, G>C on the plus strand (C>G on the coding strand, the complement: RECQL is on the minus strand). VCF-style: chr12-21477935-G-C. GRCh37 (hg19) VCF-style: chr12-21630869-G-C.
Other names: c.735C>G, p.Phe245Leu (NM_032941.3); short protein forms F245L.
Identifiers: ClinVar variation 1758488 (VCV001758488.2), dbSNP rs948132339, ClinGen allele CA384124944.